The following is an entry in ClinVar:

ClinVar aggregate classification (germline): Uncertain significance (1 of 4 stars; one submission).

gnomAD v4.1: 1 of 1,614,024 alleles (0.000062%); highest among the groups gnomAD compares: Non-Finnish European, 0.000085%; no homozygotes.

Submission:

Labcorp Genetics (formerly Invitae), Labcorp
Classification: Uncertain significance. Last evaluated: 2022-10-25. Review status: criteria provided, single submitter. Criteria: Invitae Variant Classification Sherloc (09022015). Collection method: clinical testing. Allele origin: germline.
Comment: This variant is not present in population databases (gnomAD no frequency). This variant has not been reported in the literature in individuals affected with USH2A-related conditions. Advanced modeling of protein sequence and biophysical properties (such as structural, functional, and spatial information, amino acid conservation, physicochemical variation, residue mobility, and thermodynamic stability) performed at Invitae indicates that this missense variant is not expected to disrupt USH2A protein function. In summary, the available evidence is currently insufficient to determine the role of this variant in disease. Therefore, it has been classified as a Variant of Uncertain Significance. This sequence change replaces threonine, which is neutral and polar, with serine, which is neutral and polar, at codon 956 of the USH2A protein (p.Thr956Ser).

NM_206933.4(USH2A):c.2867C>G (p.Thr956Ser)

Genes: USH2A (usherin; minus strand), USH2A-AS1 (USH2A antisense RNA 1; plus strand). Cytogenetic location: 1q41.
Variant type: single nucleotide variant.
Coding change: c.2867C>G on transcript NM_206933.4 (MANE Select); coding-DNA position 2867, C replaced by G.
Protein change: p.Thr956Ser; replaces threonine 956 with serine.
Molecular consequence: missense variant.
Genome position (GRCh38, 1-based): chr1:216,232,079, G>C on the plus strand (C>G on the coding strand, the complement: USH2A is on the minus strand). VCF-style: chr1-216232079-G-C. GRCh37 (hg19) VCF-style: chr1-216405421-G-C.
Other names: c.2867C>G, p.Thr956Ser (NM_007123.6); short protein forms T956S.
Identifiers: ClinVar variation 2171165 (VCV002171165.4), dbSNP rs2035707966, ClinGen allele CA344863331.